The following is an entry in ClinVar:

ClinVar aggregate classification (germline): Uncertain significance. Review status: criteria provided, multiple submitters, no conflicts (2 of 4 stars). 2 submissions from 2 submitters: Uncertain significance (2). Last evaluated 2026-09-02.

Allele frequency attached by ClinVar (database versions not stated): TOPMed 0.00001; ExAC 0.00002.
gnomAD v4.1: 31 of 1,597,022 alleles (0.0019%); highest among the groups gnomAD compares: Middle Eastern, 0.034%; 1 homozygote.

Submissions (2):

GeneDx
Classification: Uncertain significance. Last evaluated: 2026-09-02. Review status: criteria provided, single submitter. Criteria: GeneDx Variant Classification Process June 2021. Collection method: clinical testing. Allele origin: germline.
Comment: Not observed at significant frequency in large population cohorts (gnomAD); In silico analysis suggests that this missense variant does not alter protein structure/function; Has not been previously published as pathogenic or benign to our knowledge

Blueprint Genetics
Classification: Uncertain significance. Last evaluated: 2024-07-15. Review status: criteria provided, single submitter. Criteria: ACMG Guidelines, 2015. Collection method: clinical testing. Allele origin: germline.

NM_017646.6(TRIT1):c.26C>G (p.Ala9Gly)

Genes: MYCL-AS1 (MYCL antisense RNA 1; plus strand), TRIT1 (tRNA isopentenyltransferase 1; minus strand). Cytogenetic location: 1p34.2.
Variant type: single nucleotide variant.
Coding change: c.26C>G on transcript NM_017646.6 (MANE Select); coding-DNA position 26, C replaced by G.
Protein change: p.Ala9Gly; replaces alanine 9 with glycine.
Molecular consequence: missense variant.
Genome position (GRCh38, 1-based): chr1:39,883,466, G>C on the plus strand (C>G on the coding strand, the complement: TRIT1 is on the minus strand). VCF-style: chr1-39883466-G-C. GRCh37 (hg19) VCF-style: chr1-40349138-G-C.
Other names: c.26C>G, p.Ala9Gly (NM_001312691.2, NM_001312692.2); short protein forms A9G.
Identifiers: ClinVar variation 1800784 (VCV001800784.3), dbSNP rs745312683, ClinGen allele CA788225.